The following is an entry in ClinVar:

ClinVar aggregate classification (germline): Uncertain significance. Review status: criteria provided, multiple submitters, no conflicts (2 of 4 stars). 3 submissions from 3 submitters: Uncertain significance (3). Last evaluated 2025-05-07.

Conditions:
Inborn genetic diseases. Identifiers: MedGen C0950123, MeSH D030342.
Glycogen storage disease IXb (GSD9B). Also called: PHOSPHORYLASE KINASE DEFICIENCY OF LIVER AND MUSCLE, AUTOSOMAL RECESSIVE; GLYCOGENOSIS OF LIVER AND MUSCLE, AUTOSOMAL RECESSIVE; GSD IXb. Identifiers: Orphanet 79240, MedGen C0543514, MONDO:0009868, OMIM 261750.

Allele frequency attached by ClinVar (database versions not stated): gnomAD 0.00002 and 0.00004; TOPMed 0.00004.
gnomAD v4.1: 51 of 1,614,050 alleles (0.0032%); highest among the groups gnomAD compares: African/African-American, 0.0053%; no homozygotes.

Submissions (3):

Ambry Genetics
Classification: Uncertain significance for Inborn genetic diseases. Last evaluated: 2025-05-07. Review status: criteria provided, single submitter. Criteria: Ambry Variant Classification Scheme 2023. Collection method: clinical testing. Allele origin: germline.

Mayo Clinic Laboratories, Mayo Clinic
Classification: Uncertain significance. Last evaluated: 2023-10-09. Review status: criteria provided, single submitter. Criteria: ACMG Guidelines, 2015. Collection method: clinical testing. Allele origin: germline. Observed: 1 variant allele.

Labcorp Genetics (formerly Invitae), Labcorp
Classification: Uncertain significance for Glycogen storage disease IXb. Last evaluated: 2022-03-08. Review status: criteria provided, single submitter. Criteria: Invitae Variant Classification Sherloc (09022015). Collection method: clinical testing. Allele origin: germline.
Comment: This sequence change replaces glycine, which is neutral and non-polar, with serine, which is neutral and polar, at codon 77 of the PHKB protein (p.Gly77Ser). This variant is present in population databases (rs749953598, gnomAD 0.02%). This variant has not been reported in the literature in individuals affected with PHKB-related conditions. Algorithms developed to predict the effect of missense changes on protein structure and function (SIFT, PolyPhen-2, Align-GVGD) all suggest that this variant is likely to be tolerated. Algorithms developed to predict the effect of sequence changes on RNA splicing suggest that this variant may create or strengthen a splice site. In summary, the available evidence is currently insufficient to determine the role of this variant in disease. Therefore, it has been classified as a Variant of Uncertain Significance.

NM_000293.3(PHKB):c.229G>A (p.Gly77Ser)

Genes: PHKB (phosphorylase kinase regulatory subunit beta; plus strand), LOC112449713 (Sharpr-MPRA regulatory region 10524; plus strand). Cytogenetic location: 16q12.1.
Variant type: single nucleotide variant.
Coding change: c.229G>A on transcript NM_000293.3 (MANE Select); coding-DNA position 229, G replaced by A.
Protein change: p.Gly77Ser; replaces glycine 77 with serine.
Molecular consequence: missense variant.
Genome position (GRCh38, 1-based): chr16:47,499,818, G>A. VCF-style: chr16-47499818-G-A. GRCh37 (hg19) VCF-style: chr16-47533729-G-A.
Other names: p.Gly77Ser; c.229G>A (NM_000293.2); c.208G>A, p.Gly70Ser (NM_001031835.3); c.229G>A, p.Gly77Ser (NM_001363837.1); short protein forms G70S, G77S.
Identifiers: ClinVar variation 1346469 (VCV001346469.5), dbSNP rs749953598, ClinGen allele CA8040406.